The following is an entry in ClinVar:

ClinVar aggregate classification (germline): Uncertain significance (1 of 4 stars; one submission).

Submission:

GeneDx
Classification: Uncertain significance. Last evaluated: 2024-11-09. Review status: criteria provided, single submitter. Criteria: GeneDx Variant Classification Process June 2021. Collection method: clinical testing. Allele origin: germline. Affected: yes.
Comment: Not observed at significant frequency in large population cohorts (gnomAD); In silico analysis indicates that this missense variant does not alter protein structure/function; Has not been previously published as pathogenic or benign to our knowledge

NM_004187.5(KDM5C):c.4606C>A (p.Pro1536Thr)

Gene: KDM5C (lysine demethylase 5C; minus strand). Cytogenetic location: Xp11.22.
Variant type: single nucleotide variant.
Coding change: c.4606C>A on transcript NM_004187.5 (MANE Select); coding-DNA position 4606, C replaced by A.
Protein change: p.Pro1536Thr; replaces proline 1536 with threonine.
Molecular consequence: missense variant. On other transcripts: intron variant (5).
Genome position (GRCh38, 1-based): chrX:53,193,044, G>T on the plus strand (C>A on the coding strand, the complement: KDM5C is on the minus strand). VCF-style: chrX-53193044-G-T. GRCh37 (hg19) VCF-style: chrX-53222226-G-T.
Other names: c.4603C>A, p.Pro1535Thr (NM_001282622.3); c.4597C>A, p.Pro1533Thr (NM_001353978.3); c.4305+393C>A (NM_001353982.2); c.4314+393C>A (NM_001353979.2); c.4308+393C>A (NM_001353981.2, NM_001353984.2); c.4047-207C>A (NM_001146702.2); short protein forms P1533T, P1535T, P1536T.
Identifiers: ClinVar variation 3898775 (VCV003898775.1).